The following is an entry in ClinVar:

NM_005263.5(GFI1):c.1080C>G (p.Phe360Leu)

Gene: GFI1 (growth factor independent 1 transcriptional repressor; minus strand). Cytogenetic location: 1p22.1.
Variant type: single nucleotide variant.
Coding change: c.1080C>G on transcript NM_005263.5 (MANE Select); coding-DNA position 1080, C replaced by G.
Protein change: p.Phe360Leu; replaces phenylalanine 360 with leucine.
Molecular consequence: missense variant.
Genome position (GRCh38, 1-based): chr1:92,478,598, G>C on the plus strand (C>G on the coding strand, the complement: GFI1 is on the minus strand). VCF-style: chr1-92478598-G-C. GRCh37 (hg19) VCF-style: chr1-92944155-G-C.
Other names: c.1080C>G, p.Phe360Leu (NM_001127215.3, NM_001127216.3); short protein forms F360L.
Identifiers: ClinVar variation 4744653 (VCV004744653.1).
Genomic context (GRCh38, chr1:92,478,598, plus strand): 5'-AATGTTGGCCTCAGGGTGTTTCCTACAAGCCAAGGGCCTTTTTAGCTCACCAGTGTGGAT[G>C]AAAGTGTGTTTCTTCATGTCTGACTTCTGGTGGAACCTCTTGCCACAGTACTGACAGGGG-3'
Protein context (NP_005254.2, residues 350-370): HQKSDMKKHT[Phe360Leu]IHTGEKPHKC

ClinVar aggregate classification (germline): Uncertain significance (1 of 4 stars; one submission).

Conditions:
Neutropenia, severe congenital, 2, autosomal dominant. Identifiers: Orphanet 486, MedGen C2751288, MONDO:0013139, OMIM 613107.

Submission:

Labcorp Genetics (formerly Invitae), Labcorp
Classification: Uncertain significance for Neutropenia, severe congenital, 2, autosomal dominant. Last evaluated: 2025-12-01. Review status: criteria provided, single submitter. Criteria: Invitae Variant Classification Sherloc (09022015). Collection method: clinical testing. Allele origin: germline.
Comment: This sequence change replaces phenylalanine, which is neutral and non-polar, with leucine, which is neutral and non-polar, at codon 360 of the GFI1 protein (p.Phe360Leu). This variant is present in population databases (rs373356460, gnomAD 0.0009%). This variant has not been reported in the literature in individuals affected with GFI1-related conditions. Invitae Evidence Modeling of protein sequence and biophysical properties (such as structural, functional, and spatial information, amino acid conservation, physicochemical variation, residue mobility, and thermodynamic stability) indicates that this missense variant is not expected to disrupt GFI1 protein function with a negative predictive value of 80%. In summary, the available evidence is currently insufficient to determine the role of this variant in disease. Therefore, it has been classified as a Variant of Uncertain Significance.